The following is an entry in ClinVar:

ClinVar aggregate classification (germline): Uncertain significance. Review status: criteria provided, multiple submitters, no conflicts (2 of 4 stars). 6 submissions from 2 submitters: Uncertain significance (6). Last evaluated 2020-11-20.

Conditions:
Early-onset myopathy with fatal cardiomyopathy (CMYO5). Also called: CONGENITAL MYOPATHY 5 WITH CARDIOMYOPATHY; Salih Myopathy. Identifiers: Orphanet 289377, MedGen C2673677, MONDO:0012714, OMIM 611705. Disease mechanism: loss of function.
Autosomal recessive limb-girdle muscular dystrophy type 2J (LGMDR10). Also called: Limb-girdle muscular dystrophy, type 2J; MUSCULAR DYSTROPHY, LIMB-GIRDLE, AUTOSOMAL RECESSIVE 10. Identifiers: Orphanet 140922, MedGen C1837342, MONDO:0012127, OMIM 608807.
Myopathy, myofibrillar, 9, with early respiratory failure (MFM9). Also called: EDSTROM MYOPATHY; MYOPATHY, PROXIMAL, WITH EARLY RESPIRATORY MUSCLE INVOLVEMENT; Myopathy, distal, with early respiratory failure, autosomal dominant; Hereditary myopathy with early respiratory failure. Identifiers: Orphanet 178464, Orphanet 34521, MedGen C1863599, MONDO:0011362, OMIM 603689.
Tibial muscular dystrophy (TMD). Also called: Tibial muscular dystrophy, tardive; UDD MYOPATHY; Udd Distal Myopathy – Tibial Muscular Dystrophy. Identifiers: Orphanet 609, MedGen C1838244, MONDO:0010870, OMIM 600334.
Dilated cardiomyopathy 1G (CMD1G). Identifiers: Orphanet 154, MedGen C1858763, MONDO:0011400, OMIM 604145.

Allele frequency attached by ClinVar (database versions not stated): ExAC 0.00002; TOPMed 0.00002; gnomAD 0.00005; ESP Exome Variant Server 0.00008.
gnomAD v4.1: 57 of 1,540,934 alleles (0.0037%); highest among the groups gnomAD compares: East Asian, 0.022%; no homozygotes.

Submissions (6):

GeneDx
Classification: Uncertain significance. Last evaluated: 2020-11-20. Review status: criteria provided, single submitter. Criteria: GeneDx Variant Classification Process June 2021. Collection method: clinical testing. Allele origin: germline. Affected: yes.
Comment: Not observed at a significant frequency in large population cohorts (Lek et al., 2016); Has not been previously published as pathogenic or benign to our knowledge; In-silico analysis, which includes splice predictors and evolutionary conservation, is inconclusive as to whether the variant alters gene splicing. In the absence of RNA/functional studies, the actual effect of this sequence change is unknown.

Illumina Laboratory Services, Illumina
Classification: Uncertain significance for Tibial muscular dystrophy. Last evaluated: 2018-01-13. Review status: criteria provided, single submitter. Criteria: ICSL Variant Classification Criteria 13 December 2019. Collection method: clinical testing. Allele origin: germline.

Illumina Laboratory Services, Illumina
Classification: Uncertain significance for Dilated cardiomyopathy 1G. Last evaluated: 2018-01-13. Review status: criteria provided, single submitter. Criteria: ICSL Variant Classification Criteria 13 December 2019. Collection method: clinical testing. Allele origin: germline.

Illumina Laboratory Services, Illumina
Classification: Uncertain significance for Myopathy, myofibrillar, 9, with early respiratory failure. Last evaluated: 2018-01-13. Review status: criteria provided, single submitter. Criteria: ICSL Variant Classification Criteria 13 December 2019. Collection method: clinical testing. Allele origin: germline.

Illumina Laboratory Services, Illumina
Classification: Uncertain significance for Early-onset myopathy with fatal cardiomyopathy. Last evaluated: 2018-01-13. Review status: criteria provided, single submitter. Criteria: ICSL Variant Classification Criteria 13 December 2019. Collection method: clinical testing. Allele origin: germline.

Illumina Laboratory Services, Illumina
Classification: Uncertain significance for Autosomal recessive limb-girdle muscular dystrophy type 2J. Last evaluated: 2018-01-13. Review status: criteria provided, single submitter. Criteria: ICSL Variant Classification Criteria 13 December 2019. Collection method: clinical testing. Allele origin: germline.

NM_001267550.2(TTN):c.34538-12A>G

Gene: TTN (titin; minus strand). Cytogenetic location: 2q31.2.
Variant type: single nucleotide variant.
Coding change: c.34538-12A>G on transcript NM_001267550.2 (MANE Select); 12 bases into the intron before coding-DNA position 34538, A replaced by G.
Molecular consequence: intron variant.
Genome position (GRCh38, 1-based): chr2:178,675,125, T>C on the plus strand (A>G on the coding strand, the complement: TTN is on the minus strand). VCF-style: chr2-178675125-T-C. GRCh37 (hg19) VCF-style: chr2-179539852-T-C.
Other names: c.13283-32808A>G (NM_003319.4); c.13859-32808A>G (NM_133437.4); c.13658-32808A>G (NM_133432.3); c.30635-12A>G (NM_133378.4); c.33416-12A>G (NM_001256850.1).
Identifiers: ClinVar variation 893660 (VCV000893660.5), dbSNP rs376626305, ClinGen allele CA1998040.